The following is an entry in ClinVar:

ClinVar aggregate classification (germline): Uncertain significance (1 of 4 stars; one submission).

Allele frequency attached by ClinVar (database versions not stated): gnomAD exomes below 0.00001; TOPMed below 0.00001; gnomAD 0.00001.
gnomAD v4.1: 2 of 1,613,666 alleles (0.00012%); highest among the groups gnomAD compares: Non-Finnish European, 0.00017%; no homozygotes.

Submission:

Labcorp Genetics (formerly Invitae), Labcorp
Classification: Uncertain significance. Last evaluated: 2025-05-13. Review status: criteria provided, single submitter. Criteria: Invitae Variant Classification Sherloc (09022015). Collection method: clinical testing. Allele origin: germline.
Comment: This sequence change replaces aspartic acid, which is acidic and polar, with asparagine, which is neutral and polar, at codon 16 of the COL11A1 protein (p.Asp16Asn). This variant is not present in population databases (gnomAD no frequency). This variant has not been reported in the literature in individuals affected with COL11A1-related conditions. ClinVar contains an entry for this variant (Variation ID: 1926830). Invitae Evidence Modeling of protein sequence and biophysical properties (such as structural, functional, and spatial information, amino acid conservation, physicochemical variation, residue mobility, and thermodynamic stability) indicates that this missense variant is not expected to disrupt COL11A1 protein function with a negative predictive value of 95%. In summary, the available evidence is currently insufficient to determine the role of this variant in disease. Therefore, it has been classified as a Variant of Uncertain Significance.

NM_001854.4(COL11A1):c.46G>A (p.Asp16Asn)

Gene: COL11A1 (collagen type XI alpha 1 chain; minus strand). Cytogenetic location: 1p21.1.
Variant type: single nucleotide variant.
Coding change: c.46G>A on transcript NM_001854.4 (MANE Select); coding-DNA position 46, G replaced by A.
Protein change: p.Asp16Asn; replaces aspartic acid 16 with asparagine.
Molecular consequence: missense variant. On other transcripts: non-coding transcript variant (1).
Genome position (GRCh38, 1-based): chr1:103,108,133, C>T on the plus strand (G>A on the coding strand, the complement: COL11A1 is on the minus strand). VCF-style: chr1-103108133-C-T. GRCh37 (hg19) VCF-style: chr1-103573689-C-T.
Other names: c.46G>A, p.Asp16Asn (NM_001168249.1, NM_001190709.2, NM_080629.3 and 1 more transcripts); short protein forms D16N.
Identifiers: ClinVar variation 1926830 (VCV001926830.5), dbSNP rs1674859557, ClinGen allele CA341159640.